The following is an entry in ClinVar:

ClinVar aggregate classification (germline): Likely benign (1 of 4 stars; one submission).

Allele frequency attached by ClinVar (database versions not stated): gnomAD exomes below 0.00001 and 0.00001; gnomAD 0.00002; TOPMed 0.00002.

Submission:

GeneDx
Classification: Likely benign. Last evaluated: 2017-08-04. Review status: criteria provided, single submitter. Criteria: GeneDx Variant Classification (06012015). Collection method: clinical testing. Allele origin: germline. Affected: yes.
Comment: This variant is considered likely benign or benign based on one or more of the following criteria: it is a conservative change, it occurs at a poorly conserved position in the protein, it is predicted to be benign by multiple in silico algorithms, and/or has population frequency not consistent with disease.

NM_001171155.2(PET100):c.-3G>A

Genes: PET100 (PET100 cytochrome c oxidase chaperone; plus strand), STXBP2 (syntaxin binding protein 2; plus strand). Cytogenetic location: 19p13.2.
Variant type: single nucleotide variant.
Coding change: c.-3G>A on transcript NM_001171155.2 (MANE Select); 3 bases upstream of the start codon, G replaced by A.
Molecular consequence: 5 prime UTR variant. On other transcripts: non-coding transcript variant (1).
Genome position (GRCh38, 1-based): chr19:7,629,831, G>A. VCF-style: chr19-7629831-G-A. GRCh37 (hg19) VCF-style: chr19-7694717-G-A.
Identifiers: ClinVar variation 510984 (VCV000510984.1), dbSNP rs1001603852, ClinGen allele CA304898367.
Genomic context (GRCh38, chr19:7,629,831, plus strand): 5'-GCTTCTGTCTTGCTGGAGGGTCGGCTTTGGGCGGAACTGGCTTTGTTGACCGGGAGAAAC[G>A]AGATGGGGGTGAAGCTGGAGATATTTCGGGTCAGTGGACACAGGAGTGGGTTGGGAGGCT-3'